The following is an entry in ClinVar:

ClinVar aggregate classification (germline): Uncertain significance (1 of 4 stars; one submission).

Allele frequency attached by ClinVar (database versions not stated): ExAC 0.00002; gnomAD exomes 0.00001.
gnomAD v4.1: 13 of 1,613,306 alleles (0.00081%); highest among the groups gnomAD compares: South Asian, 0.0055%; no homozygotes.

Submission:

Labcorp Genetics (formerly Invitae), Labcorp
Classification: Uncertain significance. Last evaluated: 2021-09-01. Review status: criteria provided, single submitter. Criteria: Invitae Variant Classification Sherloc (09022015). Collection method: clinical testing. Allele origin: germline.
Comment: This sequence change replaces valine with leucine at codon 300 of the GNPAT protein (p.Val300Leu). The valine residue is moderately conserved and there is a small physicochemical difference between valine and leucine. This variant is present in population databases (rs774607150, ExAC 0.01%). This variant has not been reported in the literature in individuals affected with GNPAT-related conditions. Algorithms developed to predict the effect of missense changes on protein structure and function (SIFT, PolyPhen-2, Align-GVGD) all suggest that this variant is likely to be tolerated. In summary, the available evidence is currently insufficient to determine the role of this variant in disease. Therefore, it has been classified as a Variant of Uncertain Significance.

NM_014236.4(GNPAT):c.898G>C (p.Val300Leu)

Gene: GNPAT (glyceronephosphate O-acyltransferase; plus strand). Cytogenetic location: 1q42.2.
Variant type: single nucleotide variant.
Coding change: c.898G>C on transcript NM_014236.4 (MANE Select); coding-DNA position 898, G replaced by C.
Protein change: p.Val300Leu; replaces valine 300 with leucine.
Molecular consequence: missense variant.
Genome position (GRCh38, 1-based): chr1:231,266,139, G>C. VCF-style: chr1-231266139-G-C. GRCh37 (hg19) VCF-style: chr1-231401885-G-C.
Other names: c.715G>C, p.Val239Leu (NM_001316350.2); short protein forms V239L, V300L.
Identifiers: ClinVar variation 1006981 (VCV001006981.2), dbSNP rs774607150, ClinGen allele CA1451903.